The following is an entry in ClinVar:

NM_138691.3(TMC1):c.215_219dup (p.Arg74fs)

Gene: TMC1 (transmembrane channel like 1; plus strand). Cytogenetic location: 9q21.13.
Variant type: Duplication.
Coding change: c.215_219dup on transcript NM_138691.3 (MANE Select); coding-DNA positions 215 to 219, 5 bases duplicated (GGAGG; older notation c.215_219dupGGAGG).
Protein change: p.Arg74fs; shifts the reading frame from arginine 74.
Molecular consequence: frameshift variant.
Genome position (GRCh38, 1-based): chr9:72,694,693-72,694,697, GGAGG duplicated. VCF-style (leftmost placement, unchanged base first): chr9-72694692-A-AGGAGG. GRCh37 (hg19) VCF-style: chr9-75309608-A-AGGAGG.
Other names: p.Arg74GlyfsX4; c.215_219dupGGAGG (NM_138691.2); short protein forms R74fs.
Identifiers: ClinVar variation 179431 (VCV000179431.5), dbSNP rs730880359, ClinGen allele CA273627.

ClinVar aggregate classification (germline): Pathogenic (1 of 4 stars; one submission).

Conditions:
Rare genetic deafness. Identifiers: Orphanet 96210, MedGen C5680250.

Submission:

Laboratory for Molecular Medicine, Mass General Brigham Personalized Medicine
Classification: Pathogenic for Rare genetic deafness. Last evaluated: 2013-11-26. Review status: criteria provided, single submitter. Criteria: LMM Criteria. Collection method: clinical testing. Allele origin: germline. Inheritance: Autosomal recessive inheritance. Observed: 1 variant allele.
Comment: The Arg74fs variant in TMC1 has not been previously reported in individuals with hearing loss or in large population studies. This frameshift variant is predict ed to alter the protein?s amino acid sequence beginning at position 74 and lead to a premature termination codon 4 amino acids downstream. This alteration is th en predicted to lead to a truncated or absent protein. In summary, this variant meets our criteria to be classified as pathogenic (M).